The following is an entry in ClinVar:

NM_032043.3(BRIP1):c.750A>G (p.Thr250=)

Gene: BRIP1 (BRCA1 interacting DNA helicase 1; minus strand). Cytogenetic location: 17q23.2.
Variant type: single nucleotide variant.
Coding change: c.750A>G on transcript NM_032043.3 (MANE Select); coding-DNA position 750, A replaced by G.
Protein change: p.Thr250=; no amino-acid change (threonine 250 retained).
Molecular consequence: synonymous variant.
Genome position (GRCh38, 1-based): chr17:61,808,635, T>C on the plus strand (A>G on the coding strand, the complement: BRIP1 is on the minus strand). VCF-style: chr17-61808635-T-C. GRCh37 (hg19) VCF-style: chr17-59885996-T-C.
Identifiers: ClinVar variation 386010 (VCV000386010.19), dbSNP rs1057522393, ClinGen allele CA16607794.

ClinVar aggregate classification (germline): Benign/Likely benign. Review status: criteria provided, multiple submitters, no conflicts (2 of 4 stars). 4 submissions from 4 submitters: Benign (1); Likely benign (3). Last evaluated 2025-10-23.

Conditions:
Familial cancer of breast. Also called: BREAST CANCER, FAMILIAL; hereditary breast carcinoma; Hereditary breast cancer. Identifiers: Orphanet 227535, MedGen C0346153, MONDO:0016419, OMIM 114480. Disease mechanism: loss of function.
Fanconi anemia complementation group J. Also called: BRIP1-Related Fanconi Anemia. Identifiers: Orphanet 84, MedGen C1836860, MONDO:0012187, OMIM 609054.
Hereditary cancer-predisposing syndrome. Also called: Neoplastic Syndromes, Hereditary; Hereditary neoplastic syndrome; Tumor predisposition; Hereditary Cancer Syndrome. Identifiers: Orphanet 140162, MedGen C0027672, MeSH D009386, MONDO:0015356.

Allele frequency attached by ClinVar (database versions not stated): gnomAD exomes below 0.00001; gnomAD 0.00001; TOPMed 0.00001.
gnomAD v4.1: 7 of 1,613,920 alleles (0.00043%); highest among the groups gnomAD compares: Non-Finnish European, 0.00059%; no homozygotes.

Submissions (4):

Labcorp Genetics (formerly Invitae), Labcorp
Classification: Likely benign for Familial cancer of breast; Fanconi anemia complementation group J. Last evaluated: 2025-10-23. Review status: criteria provided, single submitter. Criteria: Invitae Variant Classification Sherloc (09022015). Collection method: clinical testing. Allele origin: germline.

Myriad Genetics, Inc.
Classification: Benign for Familial cancer of breast. Last evaluated: 2024-08-22. Review status: criteria provided, single submitter. Criteria: Myriad Autosomal Dominant, Autosomal Recessive and X-Linked Classification Criteria (2023). Collection method: clinical testing. Allele origin: unknown.
Comment: This variant is considered benign. This variant is a silent/synonymous amino acid change and it is not expected to impact splicing.

GeneDx
Classification: Likely benign. Last evaluated: 2018-06-27. Review status: criteria provided, single submitter. Criteria: GeneDx Variant Classification Process June 2021. Collection method: clinical testing. Allele origin: germline. Affected: yes.

Ambry Genetics
Classification: Likely benign for Hereditary cancer-predisposing syndrome. Last evaluated: 2016-03-01. Review status: criteria provided, single submitter. Criteria: Ambry Variant Classification Scheme 2023. Collection method: clinical testing. Allele origin: germline.